The following is an entry in ClinVar:

ClinVar aggregate classification (germline): Uncertain significance (1 of 4 stars; one submission).

Conditions:
Familial thoracic aortic aneurysm and aortic dissection (TAAD). Also called: Thoracic aortic aneurysms and dissections. Identifiers: Orphanet 91387, MedGen C4707243, MONDO:0019625.

Submission:

Color Diagnostics, LLC DBA Color Health
Classification: Uncertain significance for Familial thoracic aortic aneurysm and aortic dissection. Last evaluated: 2023-12-05. Review status: criteria provided, single submitter. Criteria: ACMG Guidelines, 2015. Collection method: clinical testing. Allele origin: germline.
Comment: Variant of Uncertain Significance due to insufficient evidence: This missense variant is located in the coiled coil myosin tail domain of the MYH11 protein. Computational prediction tools and conservation analyses are inconclusive regarding the impact of this variant on the protein function. Computational splicing tools suggest that this variant may not impact RNA splicing. To our knowledge, functional assays have not been performed for this variant nor has this variant been reported in individuals affected with cardiovascular disorders in the literature. This variant is rare in the general population and has been identified in 0/277264 chromosomes by the Genome Aggregation Database (gnomAD). Available evidence is insufficient to determine the pathogenicity of this variant conclusively.

NM_002474.3(MYH11):c.3022A>T (p.Ile1008Phe)

Gene: MYH11 (myosin heavy chain 11; minus strand). Cytogenetic location: 16p13.11.
Variant type: single nucleotide variant.
Coding change: c.3022A>T on transcript NM_002474.3 (MANE Select); coding-DNA position 3022, A replaced by T.
Protein change: p.Ile1008Phe; replaces isoleucine 1008 with phenylalanine.
Molecular consequence: missense variant.
Genome position (GRCh38, 1-based): chr16:15,738,664, T>A on the plus strand (A>T on the coding strand, the complement: MYH11 is on the minus strand). VCF-style: chr16-15738664-T-A. GRCh37 (hg19) VCF-style: chr16-15832521-T-A.
Other names: c.3043A>T, p.Ile1015Phe (NM_001040113.2, NM_001040114.2); c.3022A>T, p.Ile1008Phe (NM_022844.3); short protein forms I1015F, I1008F.
Identifiers: ClinVar variation 629384 (VCV000629384.4), dbSNP rs1567715853, ClinGen allele CA394864033.